The following is an entry in ClinVar:

NM_001365276.2(TNXB):c.6441A>G (p.Glu2147=)

Gene: TNXB (tenascin XB; minus strand). Cytogenetic location: 6p21.33.
Variant type: single nucleotide variant.
Coding change: c.6441A>G on transcript NM_001365276.2 (MANE Select); coding-DNA position 6441, A replaced by G.
Protein change: p.Glu2147=; no amino-acid change (glutamic acid 2147 retained).
Molecular consequence: synonymous variant.
Genome position (GRCh38, 1-based): chr6:32,067,764, T>C on the plus strand (A>G on the coding strand, the complement: TNXB is on the minus strand). VCF-style: chr6-32067764-T-C. GRCh37 (hg19) VCF-style: chr6-32035541-T-C.
Other names: c.6441A>G, p.Glu2147= (NM_019105.8).
Identifiers: ClinVar variation 3052228 (VCV003052228.2), dbSNP rs1169138773, ClinGen allele CA449821197.
Genomic context (GRCh38, chr6:32,067,764, plus strand): 5'-GTGGAGGCCGTACAGGTGCATCTTGTACTTGCGCCCAGGCTCCAGGCCCCCCACGGTGAC[T>C]TCACTCTCCTCGCCCCCAACACGCACCACCTGGGGCCGCCCGTCCCTGTCCTTGTACTGC-3'
Protein context (NP_001352205.1, residues 2137-2157): QVVRVGGEES[Glu2147=]VTVGGLEPGR

ClinVar aggregate classification (germline): Likely benign (0 of 4 stars; one submission).

Conditions:
TNXB-related disorder. Also called: TNXB-related condition.

Allele frequency attached by ClinVar (database versions not stated): gnomAD exomes below 0.00001.

Submission:

PreventionGenetics, part of Exact Sciences
Classification: Likely benign for TNXB-related condition. Last evaluated: 2022-03-19. Review status: no assertion criteria provided. Collection method: clinical testing. Allele origin: germline.
Comment: This variant is classified as likely benign based on ACMG/AMP sequence variant interpretation guidelines (Richards et al. 2015 PMID: 25741868, with internal and published modifications).